The following is an entry in ClinVar:

ClinVar aggregate classification (germline): Uncertain significance. Review status: criteria provided, multiple submitters, no conflicts (2 of 4 stars). 4 submissions from 4 submitters: Uncertain significance (4). Last evaluated 2025-11-03.

Conditions:
Familial thoracic aortic aneurysm and aortic dissection (TAAD). Also called: Thoracic aortic aneurysms and dissections. Identifiers: Orphanet 91387, MedGen C4707243, MONDO:0019625.
Ehlers-Danlos syndrome, type 4 (EDSVASC). Also called: Ehlers-Danlos syndrome vascular type; Ehlers Danlos syndrome, ecchymotic type; Ehlers Danlos syndrome, arterial type; Ehlers Danlos syndrome, Sack-Barabas type; Ehlers-Danlos Syndrome Type IV. Identifiers: Orphanet 286, MedGen C0268338, MONDO:0017314, OMIM 130050.

Allele frequency attached by ClinVar (database versions not stated): TOPMed 0.00002; gnomAD 0.00003 and 0.00004.
gnomAD v4.1: 7 of 1,614,046 alleles (0.00043%); highest among the groups gnomAD compares: African/African-American, 0.0093%; no homozygotes.

Submissions (4):

Color Diagnostics, LLC DBA Color Health
Classification: Uncertain significance for Familial thoracic aortic aneurysm and aortic dissection. Last evaluated: 2025-11-03. Review status: criteria provided, single submitter. Criteria: ACMG Guidelines, 2015. Collection method: clinical testing. Allele origin: germline.
Comment: This missense variant replaces leucine with isoleucine at codon 1359 of the COL3A1 protein. Computational prediction suggests that this variant may not impact protein structure and function. To our knowledge, functional studies have not been reported for this variant. This variant has not been reported in individuals affected with COL3A1-related disorders in the literature. This variant has not been identified in the general population by the Genome Aggregation Database (gnomAD). The available evidence is insufficient to determine the role of this variant in disease conclusively. Therefore, this variant is classified as a Variant of Uncertain Significance.

All of Us Research Program, National Institutes of Health
Classification: Uncertain significance for Ehlers-Danlos syndrome, type 4. Last evaluated: 2024-09-23. Review status: criteria provided, single submitter. Criteria: ACMG Guidelines, 2015. Collection method: clinical testing. Allele origin: germline. Inheritance: Autosomal dominant inheritance. Observed: 2 variant alleles, 2 heterozygotes.
Comment: This missense variant replaces leucine with isoleucine at codon 1359 of the COL3A1 protein. Computational prediction suggests that this variant may not impact protein structure and function (internally defined REVEL score threshold <= 0.5, PMID: 27666373). To our knowledge, functional studies have not been reported for this variant. This variant has not been reported in individuals affected with COL3A1-related disorders in the literature. This variant has not been identified in the general population by the Genome Aggregation Database (gnomAD). The available evidence is insufficient to determine the role of this variant in disease conclusively. Therefore, this variant is classified as a Variant of Uncertain Significance.

This study involves interpretation of variants in research participants for the purpose of population health screening. Participant phenotype was not available at the time of variant classification. Additional details can be found in publication PMID: 35346344, PMCID: PMC8962531

CHEO Genetics Diagnostic Laboratory, Children's Hospital of Eastern Ontario
Classification: Uncertain significance for Familial thoracic aortic aneurysm and aortic dissection. Last evaluated: 2023-03-28. Review status: criteria provided, single submitter. Criteria: ACMG Guidelines, 2015. Collection method: clinical testing. Allele origin: germline.

Labcorp Genetics (formerly Invitae), Labcorp
Classification: Uncertain significance for Ehlers-Danlos syndrome, type 4. Last evaluated: 2017-05-15. Review status: criteria provided, single submitter. Criteria: Invitae Variant Classification Sherloc (09022015). Collection method: clinical testing. Allele origin: germline.
Comment: This sequence change replaces leucine with isoleucine at codon 1359 of the COL3A1 protein (p.Leu1359Ile). The leucine residue is moderately conserved and there is a small physicochemical difference between leucine and isoleucine. This variant is not present in population databases (ExAC no frequency) and has not been reported in the literature in individuals with a COL3A1-related disease. Algorithms developed to predict the effect of missense changes on protein structure and function (SIFT, PolyPhen-2, Align-GVGD) all suggest that this variant is likely to be tolerated, but these predictions have not been confirmed by published functional studies. In summary, this variant is a novel missense change that is not predicted to affect protein function. There is no indication that it causes disease, but the available evidence is currently insufficient to prove that conclusively. Therefore, it has been classified as a Variant of Uncertain Significance.

NM_000090.4(COL3A1):c.4075C>A (p.Leu1359Ile)

Gene: COL3A1 (collagen type III alpha 1 chain; plus strand). Cytogenetic location: 2q32.2.
Variant type: single nucleotide variant.
Coding change: c.4075C>A on transcript NM_000090.4 (MANE Select); coding-DNA position 4075, C replaced by A.
Protein change: p.Leu1359Ile; replaces leucine 1359 with isoleucine.
Molecular consequence: missense variant.
Genome position (GRCh38, 1-based): chr2:189,010,711, C>A. VCF-style: chr2-189010711-C-A. GRCh37 (hg19) VCF-style: chr2-189875437-C-A.
Other names: short protein forms L1359I.
Identifiers: ClinVar variation 459791 (VCV000459791.11), dbSNP rs1400489265, ClinGen allele CA349849331.